The following is an entry in ClinVar:

ClinVar aggregate classification (germline): Uncertain significance (1 of 4 stars; one submission).

Conditions:
Combined immunodeficiency due to DOCK8 deficiency (HIES2). Also called: DOCK8 Deficiency; HIES autosomal recessive; HYPER-IgE SYNDROME 2, AUTOSOMAL RECESSIVE, WITH RECURRENT INFECTIONS; Hyper-IgE recurrent infection syndrome, autosomal recessive; HYPER-IgE RECURRENT INFECTION SYNDROME 2, AUTOSOMAL RECESSIVE. Identifiers: Orphanet 217390, MedGen C4722305, MONDO:0009478, OMIM 243700.

Submission:

Labcorp Genetics (formerly Invitae), Labcorp
Classification: Uncertain significance for Combined immunodeficiency due to DOCK8 deficiency. Last evaluated: 2023-10-13. Review status: criteria provided, single submitter. Criteria: Invitae Variant Classification Sherloc (09022015). Collection method: clinical testing. Allele origin: germline.
Comment: This sequence change replaces valine, which is neutral and non-polar, with leucine, which is neutral and non-polar, at codon 333 of the DOCK8 protein (p.Val333Leu). This variant is not present in population databases (gnomAD no frequency). This variant has not been reported in the literature in individuals affected with DOCK8-related conditions. Advanced modeling of protein sequence and biophysical properties (such as structural, functional, and spatial information, amino acid conservation, physicochemical variation, residue mobility, and thermodynamic stability) performed at Invitae indicates that this missense variant is not expected to disrupt DOCK8 protein function. In summary, the available evidence is currently insufficient to determine the role of this variant in disease. Therefore, it has been classified as a Variant of Uncertain Significance.

NM_203447.4(DOCK8):c.997G>C (p.Val333Leu)

Gene: DOCK8 (dedicator of cytokinesis 8; plus strand). Cytogenetic location: 9p24.3.
Variant type: single nucleotide variant.
Coding change: c.997G>C on transcript NM_203447.4 (MANE Select); coding-DNA position 997, G replaced by C.
Protein change: p.Val333Leu; replaces valine 333 with leucine.
Molecular consequence: missense variant.
Genome position (GRCh38, 1-based): chr9:328,124, G>C. VCF-style: chr9-328124-G-C. GRCh37 (hg19) VCF-style: chr9-328124-G-C.
Other names: c.793G>C, p.Val265Leu (NM_001190458.2, NM_001193536.2); short protein forms V265L, V333L.
Identifiers: ClinVar variation 2768006 (VCV002768006.3), dbSNP rs2537911607, ClinGen allele CA372751421.